The following is an entry in ClinVar:

ClinVar aggregate classification (germline): Pathogenic. Review status: criteria provided, multiple submitters, no conflicts (2 of 4 stars). 2 submissions from 2 submitters: Pathogenic (2). Last evaluated 2020-07-09.

Conditions:
L-2-hydroxyglutaric aciduria (L2HGA). Identifiers: Orphanet 79314, MedGen C1855995, MONDO:0009370, OMIM 236792, HP:0040144.

Submissions (2):

Labcorp Genetics (formerly Invitae), Labcorp
Classification: Pathogenic for L-2-hydroxyglutaric aciduria. Last evaluated: 2020-07-09. Review status: criteria provided, single submitter. Criteria: Invitae Variant Classification Sherloc (09022015). Collection method: clinical testing. Allele origin: germline.
Comment: This sequence change creates a premature translational stop signal (p.Tyr301*) in the L2HGDH gene. It is expected to result in an absent or disrupted protein product. For these reasons, this variant has been classified as Pathogenic. Loss-of-function variants in L2HGDH are known to be pathogenic (PMID: 16134148, 20052767). This variant has been observed in individual(s) with L-2-hydroxyglutaric aciduria (PMID: 20052767). This variant is not present in population databases (ExAC no frequency).

Baylor Genetics
Classification: Pathogenic for L-2-hydroxyglutaric aciduria. Last evaluated: 2019-07-17. Review status: criteria provided, single submitter. Criteria: ACMG Guidelines, 2015. Collection method: clinical testing. Allele origin: unknown. Affected: yes.
Comment: This variant was determined to be pathogenic according to ACMG Guidelines, 2015 [PMID:25741868].

Literature cited by the submitters: PubMed 16134148 (cited by Labcorp Genetics (formerly Invitae), Labcorp); PubMed 20052767 (cited by Labcorp Genetics (formerly Invitae), Labcorp).

NM_024884.3(L2HGDH):c.903T>G (p.Tyr301Ter)

Gene: L2HGDH (L-2-hydroxyglutarate dehydrogenase; minus strand). Cytogenetic location: 14q21.3.
Variant type: single nucleotide variant.
Coding change: c.903T>G on transcript NM_024884.3 (MANE Select); coding-DNA position 903, T replaced by G.
Protein change: p.Tyr301Ter; replaces tyrosine 301 with a stop codon.
Molecular consequence: nonsense.
Genome position (GRCh38, 1-based): chr14:50,269,166, A>C on the plus strand (T>G on the coding strand, the complement: L2HGDH is on the minus strand). VCF-style: chr14-50269166-A-C. GRCh37 (hg19) VCF-style: chr14-50735884-A-C.
Other names: short protein forms Y301*.
Identifiers: ClinVar variation 1028352 (VCV001028352.9), dbSNP rs1889521207, ClinGen allele CA389650096.